The following is an entry in ClinVar:

NM_000059.4(BRCA2):c.8237_8238del (p.Thr2746fs)

Gene: BRCA2 (BRCA2 DNA repair associated; plus strand). Cytogenetic location: 13q13.1.
Variant type: Deletion.
Coding change: c.8237_8238del on transcript NM_000059.4 (MANE Select); coding-DNA positions 8237 to 8238, 2 bases deleted (CA; older notation c.8237_8238delCA).
Protein change: p.Thr2746fs; shifts the reading frame from threonine 2746.
Molecular consequence: frameshift variant.
Genome position (GRCh38, 1-based): chr13:32,363,439-32,363,440, CA deleted; deleting any 2 consecutive bases within chr13:32,363,438-32,363,440 gives the same sequence; the c. name uses the placement nearest the transcript's 3' end. VCF-style (leftmost placement, unchanged base first): chr13-32363437-GAC-G. GRCh37 (hg19) VCF-style: chr13-32937574-GAC-G.
Other names: 8465delCA; c.8237_8238delCA (NM_000059.3); short protein forms T2746fs.
Identifiers: ClinVar variation 52534 (VCV000052534.22), dbSNP rs80359700, ClinGen allele CA025533.

ClinVar aggregate classification (germline): Pathogenic. Review status: reviewed by expert panel (3 of 4 stars). 6 submissions from 6 submitters: Pathogenic (1). 5 of the submissions do not count toward it. Last evaluated 2016-09-08.

Conditions:
Hereditary breast ovarian cancer syndrome. Also called: Hereditary breast and ovarian cancer syndrome; Hereditary breast and ovarian cancer; Hereditary breast and ovarian cancer syndrome (HBOC); Breast and ovarian cancer; Hereditary breast and/or ovarian cancer syndrome; BRCA1- and BRCA2-Associated Hereditary Breast and Ovarian Cancer. Identifiers: Orphanet 145, MedGen C0677776, MeSH D061325, MONDO:0003582. Disease mechanism: loss of function.
Hereditary cancer-predisposing syndrome. Also called: Neoplastic Syndromes, Hereditary; Tumor predisposition; Hereditary neoplastic syndrome; Hereditary Cancer Syndrome. Identifiers: Orphanet 140162, MedGen C0027672, MeSH D009386, MONDO:0015356.
Breast-ovarian cancer, familial, susceptibility to, 2 (BROVCA2). Also called: BRCA2 Hereditary Breast and Ovarian Cancer. Identifiers: Orphanet 145, MedGen C2675520, MONDO:0012933, OMIM 612555. Disease mechanism: loss of function.

Submissions (6):

Evidence-based Network for the Interpretation of Germline Mutant Alleles (ENIGMA)
Classification: Pathogenic for Breast-ovarian cancer, familial, susceptibility to, 2. Last evaluated: 2016-09-08. Review status: reviewed by expert panel. Criteria: ENIGMA BRCA1/2 Classification Criteria (2015). Collection method: curation. Allele origin: germline.
Comment: Variant allele predicted to encode a truncated non-functional protein.

Ambry Genetics
Classification: Pathogenic for Hereditary cancer-predisposing syndrome. Last evaluated: 2024-10-15. Review status: criteria provided, single submitter. Criteria: Ambry Variant Classification Scheme 2023. Collection method: clinical testing. Allele origin: germline. Not counted in ClinVar's aggregate classification.
Comment: The c.8237_8238delCA pathogenic mutation, located in coding exon 17 of the BRCA2 gene, results from a deletion of two nucleotides at nucleotide positions 8237 to 8238, causing a translational frameshift with a predicted alternate stop codon (p.T2746Sfs*17). This variant is considered to be rare based on population cohorts in the Genome Aggregation Database (gnomAD). This alteration is expected to result in loss of function by premature protein truncation or nonsense-mediated mRNA decay. As such, this alteration is interpreted as a disease-causing mutation.

Labcorp Genetics (formerly Invitae), Labcorp
Classification: Pathogenic for Hereditary breast ovarian cancer syndrome. Last evaluated: 2024-09-02. Review status: criteria provided, single submitter. Criteria: Invitae Variant Classification Sherloc (09022015). Collection method: clinical testing. Allele origin: germline. Not counted in ClinVar's aggregate classification.
Comment: This sequence change creates a premature translational stop signal (p.Thr2746Serfs*17) in the BRCA2 gene. It is expected to result in an absent or disrupted protein product. Loss-of-function variants in BRCA2 are known to be pathogenic (PMID: 20104584). This variant is not present in population databases (gnomAD no frequency). This premature translational stop signal has been observed in individual(s) with clinical features of BRCA2-related conditions (PMID: 10923033, 21520333). ClinVar contains an entry for this variant (Variation ID: 52534). Algorithms developed to predict the effect of sequence changes on RNA splicing suggest that this variant may disrupt the consensus splice site. For these reasons, this variant has been classified as Pathogenic.

Color Diagnostics, LLC DBA Color Health
Classification: Pathogenic for Hereditary cancer-predisposing syndrome. Last evaluated: 2019-08-21. Review status: criteria provided, single submitter. Criteria: ACMG Guidelines, 2015. Collection method: clinical testing. Allele origin: germline. Not counted in ClinVar's aggregate classification.
Comment: This variant deletes 2 nucleotides in exon 18 of the BRCA2 gene, creating a frameshift and premature translation stop signal. This variant is expected to result in an absent or non-functional protein product. Splice site prediction tools suggest that this variant may not impact RNA splicing. To our knowledge, functional studies have not been performed for this variant. This variant who has been reported in at least one individual who underwent genetic testing (PMID: 28152038). This variant has not been identified in the general population by the Genome Aggregation Database (gnomAD). Loss of BRCA2 function is a known mechanism of disease. Based on the available evidence, this variant is classified as Pathogenic.

GeneDx
Classification: Pathogenic. Last evaluated: 2018-05-14. Review status: criteria provided, single submitter. Criteria: GeneDx Variant Classification (06012015). Collection method: clinical testing. Allele origin: germline. Affected: yes. Not counted in ClinVar's aggregate classification.
Comment: This deletion of two nucleotides in BRCA2 is denoted c.8237_8238delCA at the cDNA level and p.Thr2746SerfsX17 (T2746SfsX17) at the protein level. The normal sequence, with the bases that are deleted in brackets, is CTGA[delCA]GTTG. The deletion causes a frameshift which changes a Threonine to a Serine at codon 2746, and creates a premature stop codon at position 17 of the new reading frame. This variant, also defined as BRCA2 8465_8466delCA using alternate nomenclature, has been reported in at least one individual undergoing hereditary cancer panel testing (LaDuca 2017). We consider this variant to be pathogenic.

Breast Cancer Information Core (BIC) (BRCA2)
Classification: Pathogenic for Breast-ovarian cancer, familial 2. Last evaluated: 2003-12-23. Review status: no assertion criteria provided. Collection method: clinical testing. Allele origin: germline. Affected: yes. Observed: 2 variant alleles. Not counted in ClinVar's aggregate classification.

Literature cited by the submitters: PubMed 28152038 (cited by Ambry Genetics); PubMed 20104584 (cited by Labcorp Genetics (formerly Invitae), Labcorp); PubMed 10923033 (cited by Labcorp Genetics (formerly Invitae), Labcorp); PubMed 21520333 (cited by Labcorp Genetics (formerly Invitae), Labcorp).